The following is an entry in ClinVar:

ClinVar aggregate classification (germline): Uncertain significance (1 of 4 stars; one submission).

Conditions:
Cardiovascular phenotype. Identifiers: MedGen CN230736.
Hereditary cancer-predisposing syndrome. Also called: Neoplastic Syndromes, Hereditary; Hereditary Cancer Syndrome; Tumor predisposition; Hereditary neoplastic syndrome. Identifiers: Orphanet 140162, MedGen C0027672, MeSH D009386, MONDO:0015356.

gnomAD v4.1: 3 of 1,612,106 alleles (0.00019%); highest among the groups gnomAD compares: Non-Finnish European, 0.00025%; no homozygotes.

Submission:

Ambry Genetics
Classification: Uncertain significance for Cardiovascular phenotype; Hereditary cancer-predisposing syndrome. Last evaluated: 2024-11-11. Review status: criteria provided, single submitter. Criteria: Ambry Variant Classification Scheme 2023. Collection method: clinical testing. Allele origin: germline.
Comment: The p.A780V variant (also known as c.2339C>T), located in coding exon 20 of the LZTR1 gene, results from a C to T substitution at nucleotide position 2339. The alanine at codon 780 is replaced by valine, an amino acid with similar properties. This variant was assumed de novo in an individual with a congenital heart defect; the neurodevelopmental status was unknown (Jin SC et al. Nat Genet, 2017 Nov;49:1593-1601; Edwards JJ et al. JACC Basic Transl Sci, 2020 Apr;5:376-386). This amino acid position is highly conserved in available vertebrate species. In addition, this alteration is predicted to be deleterious by in silico analysis. Based on the available evidence, the clinical significance of this variant remains unclear.

Literature cited by the submitters: PubMed 28991257; PubMed 32368696.

NM_006767.4(LZTR1):c.2339C>T (p.Ala780Val)

Gene: LZTR1 (leucine zipper like post translational regulator 1; plus strand). Cytogenetic location: 22q11.21.
Variant type: single nucleotide variant.
Coding change: c.2339C>T on transcript NM_006767.4 (MANE Select); coding-DNA position 2339, C replaced by T.
Protein change: p.Ala780Val; replaces alanine 780 with valine.
Molecular consequence: missense variant.
Genome position (GRCh38, 1-based): chr22:20,996,899, C>T. VCF-style: chr22-20996899-C-T. GRCh37 (hg19) VCF-style: chr22-21351188-C-T.
Other names: short protein forms A780V.
Identifiers: ClinVar variation 2447713 (VCV002447713.3), dbSNP rs759983066, ClinGen allele CA410780989.